The following is an entry in ClinVar:

NM_001005373.4(LRSAM1):c.473G>C (p.Ser158Thr)

Gene: LRSAM1 (leucine rich repeat and sterile alpha motif containing 1; plus strand). Cytogenetic location: 9q33.3.
Variant type: single nucleotide variant.
Coding change: c.473G>C on transcript NM_001005373.4 (MANE Select); coding-DNA position 473, G replaced by C.
Protein change: p.Ser158Thr; replaces serine 158 with threonine.
Molecular consequence: missense variant. On other transcripts: 5 prime UTR variant (1), non-coding transcript variant (2).
Genome position (GRCh38, 1-based): chr9:127,462,318, G>C. VCF-style: chr9-127462318-G-C. GRCh37 (hg19) VCF-style: chr9-130224597-G-C.
Other names: c.473G>C, p.Ser158Thr (NM_001005374.4, NM_001190723.3, NM_001384142.1 and 2 more transcripts); c.-312G>C (NM_001384144.1); short protein forms S158T.
Identifiers: ClinVar variation 4859302 (VCV004859302.1).

ClinVar aggregate classification (germline): Uncertain significance (1 of 4 stars; one submission).

Conditions:
Inborn genetic diseases. Identifiers: MedGen C0950123, MeSH D030342.

gnomAD v4.1: 3 of 1,614,030 alleles (0.00019%); highest among the groups gnomAD compares: Non-Finnish European, 0.00025%; no homozygotes.

Submission:

Ambry Genetics
Classification: Uncertain significance for Inborn genetic diseases. Last evaluated: 2026-03-19. Review status: criteria provided, single submitter. Criteria: Ambry Variant Classification Scheme 2023. Collection method: clinical testing. Allele origin: germline.
Comment: The c.473G>C (p.S158T) alteration is located in exon 8 (coding exon 7) of the LRSAM1 gene. This alteration results from a G to C substitution at nucleotide position 473, causing the serine (S) at amino acid position 158 to be replaced by a threonine (T). Based on data from gnomAD, the C allele has an overall frequency of 0.003% (1/31390) total alleles studied. The highest observed frequency was 0.007% (1/15424) of European (non-Finnish) alleles. Based on insufficient or conflicting evidence, the clinical significance of this alteration remains unclear.